The following is an entry in ClinVar:

ClinVar aggregate classification (germline): Conflicting classifications of pathogenicity. Review status: criteria provided, conflicting classifications (1 of 4 stars). 7 submissions from 7 submitters: Uncertain significance (3); Likely benign (2). 2 of the submissions do not count toward it. Last evaluated 2025-02-26.

Allele frequency attached by ClinVar (database versions not stated): gnomAD 0.00003; TOPMed 0.00009; 1000 Genomes Project 0.00020; 1000 Genomes Project 30x 0.00031.
gnomAD v4.1: 197 of 1,613,876 alleles (0.012%); highest among the groups gnomAD compares: Middle Eastern, 0.15%; no homozygotes.

Submissions (7):

Revvity Omics, Revvity
Classification: Uncertain significance. Last evaluated: 2025-02-26. Review status: criteria provided, single submitter. Criteria: ACMG Guidelines, 2015. Collection method: clinical testing. Allele origin: germline.

Blueprint Genetics
Classification: Uncertain significance. Last evaluated: 2024-08-12. Review status: criteria provided, single submitter. Criteria: ACMG Guidelines, 2015. Collection method: clinical testing. Allele origin: germline.

CeGaT Center for Human Genetics Tuebingen
Classification: Likely benign. Last evaluated: 2022-05-01. Review status: criteria provided, single submitter. Criteria: CeGaT Center For Human Genetics Tuebingen Variant Classification Criteria Version 2. Collection method: clinical testing. Allele origin: germline. Affected: yes. Observed: 2 variant alleles.
Comment: ABCC6: BP4

Labcorp Genetics (formerly Invitae), Labcorp
Classification: Likely benign. Last evaluated: 2019-12-07. Review status: criteria provided, single submitter. Criteria: Invitae Variant Classification Sherloc (09022015). Collection method: clinical testing. Allele origin: germline.

GeneDx
Classification: Uncertain significance. Last evaluated: 2019-08-14. Review status: criteria provided, single submitter. Criteria: GeneDx Variant Classification Process June 2021. Collection method: clinical testing. Allele origin: germline. Affected: yes.
Comment: In silico analysis, which includes protein predictors and evolutionary conservation, supports that this variant does not alter protein structure/function; This variant is associated with the following publications: (PMID: 27655138, 31981491)

Clinical Genetics DNA and cytogenetics Diagnostics Lab, Erasmus MC, Erasmus Medical Center
Classification: Likely benign. Review status: no assertion criteria provided. Collection method: clinical testing. Allele origin: germline. Affected: yes. Study: VKGL Data-share Consensus. Not counted in ClinVar's aggregate classification.

Clinical Genetics, Academic Medical Center
Classification: Benign. Review status: no assertion criteria provided. Collection method: clinical testing. Allele origin: germline. Affected: yes. Study: VKGL Data-share Consensus. Not counted in ClinVar's aggregate classification.

NM_001171.6(ABCC6):c.179G>A (p.Arg60Gln)

Gene: ABCC6 (ATP binding cassette subfamily C member 6; minus strand). Cytogenetic location: 16p13.11.
Variant type: single nucleotide variant.
Coding change: c.179G>A on transcript NM_001171.6 (MANE Select); coding-DNA position 179, G replaced by A.
Protein change: p.Arg60Gln; replaces arginine 60 with glutamine.
Molecular consequence: missense variant. On other transcripts: 5 prime UTR variant (1), non-coding transcript variant (1).
Genome position (GRCh38, 1-based): chr16:16,221,689, C>T on the plus strand (G>A on the coding strand, the complement: ABCC6 is on the minus strand). VCF-style: chr16-16221689-C-T. GRCh37 (hg19) VCF-style: chr16-16315546-C-T.
Other names: c.179G>A, p.Arg60Gln (NM_001079528.4); c.-195G>A (NM_001351800.1); short protein forms R60Q.
Identifiers: ClinVar variation 493176 (VCV000493176.53), dbSNP rs183648123, ClinGen allele CA7926695.